The following is an entry in ClinVar:

ClinVar aggregate classification (germline): Likely pathogenic (1 of 4 stars; one submission).

Conditions:
Pallister-Hall syndrome (PHS). Also called: HYPOTHALAMIC HAMARTOBLASTOMA, HYPOPITUITARISM, IMPERFORATE ANUS, AND POSTAXIAL POLYDACTYLY; GLI3-Related Pallister-Hall Syndrome. Identifiers: Orphanet 672, MedGen C0265220, MONDO:0007804, OMIM 146510.

Submission:

3billion
Classification: Likely pathogenic for Pallister-Hall syndrome. Last evaluated: 2022-05-22. Review status: criteria provided, single submitter. Criteria: ACMG Guidelines, 2015. Collection method: clinical testing. Allele origin: germline. Affected: yes. Observed: 1 heterozygote.
Comment: The variant is not observed in the gnomAD v2.1.1 dataset. Stop-gained (nonsense): predicted to result in a loss or disruption of normal protein function through nonsense-mediated decay (NMD) or protein truncation. Multiple pathogenic variants are reported downstream of the variant. Therefore, this variant is classified as likely pathogenic according to the recommendation of ACMG/AMP guideline.

NM_000168.6(GLI3):c.1366G>T (p.Glu456Ter)

Gene: GLI3 (GLI family zinc finger 3; minus strand). Cytogenetic location: 7p14.1.
Variant type: single nucleotide variant.
Coding change: c.1366G>T on transcript NM_000168.6 (MANE Select); coding-DNA position 1366, G replaced by T.
Protein change: p.Glu456Ter; replaces glutamic acid 456 with a stop codon.
Molecular consequence: nonsense.
Genome position (GRCh38, 1-based): chr7:42,023,599, C>A on the plus strand (G>T on the coding strand, the complement: GLI3 is on the minus strand). VCF-style: chr7-42023599-C-A. GRCh37 (hg19) VCF-style: chr7-42063198-C-A.
Other names: short protein forms E456*.
Identifiers: ClinVar variation 1687416 (VCV001687416.1), dbSNP rs200230864, ClinGen allele CA367324377.